The following is an entry in ClinVar:

NM_001330260.2(SCN8A):c.2153A>G (p.Lys718Arg)

Gene: SCN8A (sodium voltage-gated channel alpha subunit 8; plus strand). Cytogenetic location: 12q13.13.
Variant type: single nucleotide variant.
Coding change: c.2153A>G on transcript NM_001330260.2 (MANE Select); coding-DNA position 2153, A replaced by G.
Protein change: p.Lys718Arg; replaces lysine 718 with arginine.
Molecular consequence: missense variant.
Genome position (GRCh38, 1-based): chr12:51,751,376, A>G. VCF-style: chr12-51751376-A-G. GRCh37 (hg19) VCF-style: chr12-52145160-A-G.
Other names: c.2153A>G, p.Lys718Arg (NM_001177984.3, NM_001369788.1, NM_014191.4); short protein forms K718R.
Identifiers: ClinVar variation 1042516 (VCV001042516.12), dbSNP rs1355556670, ClinGen allele CA384879727.

ClinVar aggregate classification (germline): Uncertain significance. Review status: criteria provided, multiple submitters, no conflicts (2 of 4 stars). 3 submissions from 3 submitters: Uncertain significance (3). Last evaluated 2026-07-01.

Conditions:
Early-infantile DEE. Also called: Early infantile epileptic encephalopathy; Ohtahara syndrome; Early infantile epileptic encephalopathy with suppression bursts. Identifiers: Orphanet 1934, MedGen C0393706, MONDO:0800491.
Inborn genetic diseases. Identifiers: MedGen C0950123, MeSH D030342.

Allele frequency attached by ClinVar (database versions not stated): gnomAD exomes below 0.00001; TOPMed 0.00002.

Submissions (3):

CeGaT Center for Human Genetics Tuebingen
Classification: Uncertain significance. Last evaluated: 2026-07-01. Review status: criteria provided, single submitter. Criteria: CeGaT Center For Human Genetics Tuebingen Variant Classification Criteria Version 2. Collection method: clinical testing. Allele origin: germline. Affected: yes. Observed: 1 variant allele.
Comment: SCN8A: PM2

Labcorp Genetics (formerly Invitae), Labcorp
Classification: Uncertain significance for Early-infantile DEE. Last evaluated: 2025-03-19. Review status: criteria provided, single submitter. Criteria: Invitae Variant Classification Sherloc (09022015). Collection method: clinical testing. Allele origin: germline.
Comment: This sequence change replaces lysine, which is basic and polar, with arginine, which is basic and polar, at codon 718 of the SCN8A protein (p.Lys718Arg). This variant is present in population databases (no rsID available, gnomAD 0.0009%). This variant has not been reported in the literature in individuals affected with SCN8A-related conditions. ClinVar contains an entry for this variant (Variation ID: 1042516). Invitae Evidence Modeling of protein sequence and biophysical properties (such as structural, functional, and spatial information, amino acid conservation, physicochemical variation, residue mobility, and thermodynamic stability) indicates that this missense variant is not expected to disrupt SCN8A protein function with a negative predictive value of 95%. In summary, the available evidence is currently insufficient to determine the role of this variant in disease. Therefore, it has been classified as a Variant of Uncertain Significance.

Ambry Genetics
Classification: Uncertain significance for Inborn genetic diseases. Last evaluated: 2017-11-21. Review status: criteria provided, single submitter. Criteria: Ambry Variant Classification Scheme 2023. Collection method: clinical testing. Allele origin: germline.
Comment: The p.K718R variant (also known as c.2153A>G), located in coding exon 13 of the SCN8A gene, results from an A to G substitution at nucleotide position 2153. The lysine at codon 718 is replaced by arginine, an amino acid with highly similar properties. This amino acid position is well conserved in available vertebrate species. In addition, the in silico prediction for this alteration is inconclusive. Since supporting evidence is limited at this time, the clinical significance of this alteration remains unclear.